The following is an entry in ClinVar:

NM_004360.5(CDH1):c.-72T>C

Genes: CDH1 (cadherin 1; plus strand), LOC130059290 (ATAC-STARR-seq lymphoblastoid silent region 7650; plus strand). Cytogenetic location: 16q22.1.
Variant type: single nucleotide variant.
Coding change: c.-72T>C on transcript NM_004360.5 (MANE Select); 72 bases upstream of the start codon, T replaced by C.
Molecular consequence: 5 prime UTR variant.
Genome position (GRCh38, 1-based): chr16:68,737,344, T>C. VCF-style: chr16-68737344-T-C. GRCh37 (hg19) VCF-style: chr16-68771247-T-C.
Other names: NM_001317186.2:c.-1891T>C; c.-72T>C (NM_001317184.2); c.-1687T>C (NM_001317185.2); c.-1891T>C (NM_001317186.2).
Identifiers: ClinVar variation 2579700 (VCV002579700.1), dbSNP rs1962418098, ClinGen allele CA2229914895.

ClinVar aggregate classification (germline): Uncertain significance (3 of 4 stars; one submission).

Conditions:
CDH1-related diffuse gastric and lobular breast cancer syndrome. Also called: CDH1-related diffuse gastric and lobular breast cancer. Identifiers: MedGen CN311521, MONDO:0100488.

Allele frequency attached by ClinVar (database versions not stated): gnomAD exomes below 0.00001; TOPMed below 0.00001.
gnomAD v4.1: 3 of 1,322,370 alleles (0.00023%); highest among the groups gnomAD compares: East Asian, 0.0077%; no homozygotes.

Submission:

Clingen Gastric Cancer Variant Curation Expert Panel
Classification: Uncertain significance for CDH1-related diffuse gastric and lobular breast cancer syndrome. Last evaluated: 2023-08-03. Review status: reviewed by expert panel. Criteria: ClinGen CDH1 ACMG Specifications V3.1. Collection method: curation. Allele origin: germline. Inheritance: Autosomal dominant inheritance.
Comment: The c.-72T>C variant occurs in the 5'UTR at a nucleotide that is not highly conserved. This variant is absent from population databases (PM2_supporting). To our knowledge, this variant has not been observed in an individual with DGC, LBC, SRC tumours or whose family history suggests HDGC. In summary, this variant meets criteria to be classified as a variant of uncertain significance based on ACMG/AMP criteria applied as specified by the CDH1 Variant Curation Expert Panel: PM2_supporting. (CDH1 VCEP specifications version 3.1; 03/27/2023)